The following is an entry in ClinVar:

ClinVar aggregate classification (germline): Uncertain significance (1 of 4 stars; one submission).

gnomAD v4.1: 8 of 1,613,438 alleles (0.0005%); highest among the groups gnomAD compares: Non-Finnish European, 0.00051%; no homozygotes.

Submission:

Ambry Genetics
Classification: Uncertain significance. Last evaluated: 2025-07-05. Review status: criteria provided, single submitter. Criteria: Ambry Variant Classification Scheme 2023. Collection method: clinical testing. Allele origin: germline.
Comment: The p.D448H variant (also known as c.1342G>C), located in coding exon 8 of the ATRIP gene, results from a G to C substitution at nucleotide position 1342. The aspartic acid at codon 448 is replaced by histidine, an amino acid with similar properties. This amino acid position is conserved. In addition, this alteration is predicted to be tolerated by in silico analysis. Based on the available evidence, the clinical significance of this variant remains unclear.

NM_130384.3(ATRIP):c.1342G>C (p.Asp448His)

Genes: ATRIP-TREX1 (ATRIP-TREX1 readthrough; plus strand), ATRIP (ATR interacting protein; plus strand). Cytogenetic location: 3p21.31.
Variant type: single nucleotide variant.
Coding change: c.1342G>C on transcript NM_130384.3 (MANE Select); coding-DNA position 1342, G replaced by C.
Protein change: p.Asp448His; replaces aspartic acid 448 with histidine.
Molecular consequence: missense variant. On other transcripts: non-coding transcript variant (1).
Genome position (GRCh38, 1-based): chr3:48,460,396, G>C. VCF-style: chr3-48460396-G-C. GRCh37 (hg19) VCF-style: chr3-48501795-G-C.
Other names: c.961G>C, p.Asp321His (NM_001271022.2); c.1063G>C, p.Asp355His (NM_001271023.2); c.1342G>C, p.Asp448His (NM_032166.4); short protein forms D448H, D321H, D355H.
Identifiers: ClinVar variation 4181984 (VCV004181984.1).